The following is an entry in ClinVar:

NM_001134363.3(RBM20):c.1553G>A (p.Arg518His)

Gene: RBM20 (RNA binding motif protein 20; plus strand). Cytogenetic location: 10q25.2.
Variant type: single nucleotide variant.
Coding change: c.1553G>A on transcript NM_001134363.3 (MANE Select); coding-DNA position 1553, G replaced by A.
Protein change: p.Arg518His; replaces arginine 518 with histidine.
Molecular consequence: missense variant.
Genome position (GRCh38, 1-based): chr10:110,797,533, G>A. VCF-style: chr10-110797533-G-A. GRCh37 (hg19) VCF-style: chr10-112557291-G-A.
Other names: c.1553G>A (LRG_382t1, NM_001134363.2); short protein forms R518H.
Identifiers: ClinVar variation 519059 (VCV000519059.15), dbSNP rs762725902, ClinGen allele CA5688617.

ClinVar aggregate classification (germline): Conflicting classifications of pathogenicity. Review status: criteria provided, conflicting classifications (1 of 4 stars). 4 submissions from 4 submitters: Uncertain significance (3); Likely benign (1). Last evaluated 2026-01-04.

Conditions:
Cardiovascular phenotype. Identifiers: MedGen CN230736.
Dilated cardiomyopathy 1DD (CMD1DD). Identifiers: Orphanet 154, MedGen C2750995, MONDO:0013168, OMIM 613172.

Allele frequency attached by ClinVar (database versions not stated): gnomAD 0.00004 and 0.00005; TOPMed 0.00004; gnomAD exomes 0.00005 and 0.00016; ExAC 0.00018.

Submissions (4):

Labcorp Genetics (formerly Invitae), Labcorp
Classification: Likely benign for Dilated cardiomyopathy 1DD. Last evaluated: 2026-01-04. Review status: criteria provided, single submitter. Criteria: Invitae Variant Classification Sherloc (09022015). Collection method: clinical testing. Allele origin: germline.

Ambry Genetics
Classification: Uncertain significance for Cardiovascular phenotype. Last evaluated: 2025-11-05. Review status: criteria provided, single submitter. Criteria: Ambry Variant Classification Scheme 2023. Collection method: clinical testing. Allele origin: germline.
Comment: The p.R518H variant (also known as c.1553G>A), located in coding exon 6 of the RBM20 gene, results from a G to A substitution at nucleotide position 1553. The arginine at codon 518 is replaced by histidine, an amino acid with highly similar properties. This variant was reported in individual(s) with features consistent with dilated cardiomyopathy (McGurk KA et al. Am J Hum Genet. 2023 Sep;110(9):1482-1495; Ambry internal data). This amino acid position is highly conserved in available vertebrate species. In addition, this alteration is predicted to be deleterious by in silico analysis. Based on the available evidence, the clinical significance of this variant remains unclear.

Molecular Diagnostic Laboratory for Inherited Cardiovascular Disease, Montreal Heart Institute
Classification: Uncertain significance for Cardiovascular phenotype. Last evaluated: 2025-07-24. Review status: criteria provided, single submitter. Criteria: ACMG Guidelines, 2015. Collection method: clinical testing. Allele origin: germline. Affected: yes.
Comment: PP3, BS1

Fulgent Genetics
Classification: Uncertain significance for Dilated cardiomyopathy 1DD. Last evaluated: 2021-07-27. Review status: criteria provided, single submitter. Criteria: ACMG Guidelines, 2015. Collection method: clinical testing. Allele origin: unknown.

Literature cited by the submitters: PubMed 37652022 (cited by Ambry Genetics).